The following is an entry in ClinVar:

ClinVar aggregate classification (germline): Uncertain significance (1 of 4 stars; one submission).

Conditions:
Hereditary cancer-predisposing syndrome. Also called: Hereditary Cancer Syndrome; Hereditary neoplastic syndrome; Neoplastic Syndromes, Hereditary; Tumor predisposition. Identifiers: Orphanet 140162, MedGen C0027672, MeSH D009386, MONDO:0015356.

Submission:

Ambry Genetics
Classification: Uncertain significance for Hereditary cancer-predisposing syndrome. Last evaluated: 2017-12-06. Review status: criteria provided, single submitter. Criteria: Ambry Variant Classification Scheme 2023. Collection method: clinical testing. Allele origin: germline.
Comment: The p.P143R variant (also known as c.428C>G), located in coding exon 4 of the CDH1 gene, results from a C to G substitution at nucleotide position 428. The proline at codon 143 is replaced by arginine, an amino acid with dissimilar properties. This amino acid position is well conserved in available vertebrate species. In addition, this alteration is predicted to be tolerated by in silico analysis. Since supporting evidence is limited at this time, the clinical significance of this alteration remains unclear.

NM_004360.5(CDH1):c.428C>G (p.Pro143Arg)

Gene: CDH1 (cadherin 1; plus strand). Cytogenetic location: 16q22.1.
Variant type: single nucleotide variant.
Coding change: c.428C>G on transcript NM_004360.5 (MANE Select); coding-DNA position 428, C replaced by G.
Protein change: p.Pro143Arg; replaces proline 143 with arginine.
Molecular consequence: missense variant. On other transcripts: 5 prime UTR variant (2).
Genome position (GRCh38, 1-based): chr16:68,808,464, C>G. VCF-style: chr16-68808464-C-G. GRCh37 (hg19) VCF-style: chr16-68842367-C-G.
Other names: c.428C>G, p.Pro143Arg (NM_001317184.2); c.-1188C>G (NM_001317185.2); c.-1392C>G (NM_001317186.2); short protein forms P143R.
Identifiers: ClinVar variation 1739410 (VCV001739410.2), dbSNP rs777714207, ClinGen allele CA396457598.